The following is an entry in ClinVar:

NM_058195.4(CDKN2A):c.37C>T (p.Arg13Cys)

Gene: CDKN2A (cyclin dependent kinase inhibitor 2A; minus strand). Cytogenetic location: 9p21.3.
Variant type: single nucleotide variant.
Coding change: c.37C>T on transcript NM_058195.4 (MANE Plus Clinical); coding-DNA position 37, C replaced by T.
Protein change: p.Arg13Cys; replaces arginine 13 with cysteine.
Molecular consequence: missense variant. On other transcripts: intron variant (1).
Genome position (GRCh38, 1-based): chr9:21,994,295, G>A on the plus strand (C>T on the coding strand, the complement: CDKN2A is on the minus strand). VCF-style: chr9-21994295-G-A. GRCh37 (hg19) VCF-style: chr9-21994294-G-A.
Other names: c.-4+526C>T (NM_001363763.2); short protein forms R13C.
Identifiers: ClinVar variation 1023233 (VCV001023233.6), dbSNP rs1389587108, ClinGen allele CA373087067.

ClinVar aggregate classification (germline): Uncertain significance. Review status: criteria provided, multiple submitters, no conflicts (2 of 4 stars). 2 submissions from 2 submitters: Uncertain significance (2). Last evaluated 2023-07-19.

Conditions:
Familial melanoma. Also called: Hereditary melanoma; Hereditary cutaneous melanoma. Identifiers: Orphanet 618, MedGen C1512419, MONDO:0018961.
Hereditary cancer-predisposing syndrome. Also called: Neoplastic Syndromes, Hereditary; Tumor predisposition; Hereditary Cancer Syndrome; Hereditary neoplastic syndrome. Identifiers: Orphanet 140162, MedGen C0027672, MeSH D009386, MONDO:0015356.

Allele frequency attached by ClinVar (database versions not stated): gnomAD exomes below 0.00001.
gnomAD v4.1: 1 of 1,604,146 alleles (0.000062%); highest among the groups gnomAD compares: Non-Finnish European, 0.000085%; no homozygotes.

Submissions (2):

Ambry Genetics
Classification: Uncertain significance for Hereditary cancer-predisposing syndrome. Last evaluated: 2023-07-19. Review status: criteria provided, single submitter. Criteria: Ambry Variant Classification Scheme 2023. Collection method: clinical testing. Allele origin: germline.
Comment: The p.R13C variant (also known as c.37C>T), located in coding exon 1 of the CDKN2A (p14ARF) gene, results from a C to T substitution at nucleotide position 37. The arginine at codon 13 is replaced by cysteine, an amino acid with highly dissimilar properties. This amino acid position is well conserved in available vertebrate species. In addition, the in silico prediction for this alteration is inconclusive. Since supporting evidence is limited at this time, the clinical significance of this alteration remains unclear.

Labcorp Genetics (formerly Invitae), Labcorp
Classification: Uncertain significance for Familial melanoma. Last evaluated: 2021-07-13. Review status: criteria provided, single submitter. Criteria: Invitae Variant Classification Sherloc (09022015). Collection method: clinical testing. Allele origin: germline.